The following is an entry in ClinVar:

ClinVar aggregate classification (germline): Uncertain significance (1 of 4 stars; one submission).

Submission:

GeneDx
Classification: Uncertain significance. Last evaluated: 2026-03-17. Review status: criteria provided, single submitter. Criteria: GeneDx Variant Classification Process June 2021. Collection method: clinical testing. Allele origin: germline.
Comment: Not observed at significant frequency in large population cohorts (gnomAD); In silico analysis supports that this missense variant has a deleterious effect on protein structure/function; Has not been previously published as pathogenic or benign to our knowledge

NM_015057.5(MYCBP2):c.5242T>A (p.Cys1748Ser)

Gene: MYCBP2 (MYC binding protein 2; minus strand). Cytogenetic location: 13q22.3.
Variant type: single nucleotide variant.
Coding change: c.5242T>A on transcript NM_015057.5 (MANE Select); coding-DNA position 5242, T replaced by A.
Protein change: p.Cys1748Ser; replaces cysteine 1748 with serine.
Molecular consequence: missense variant.
Genome position (GRCh38, 1-based): chr13:77,177,846, A>T on the plus strand (T>A on the coding strand, the complement: MYCBP2 is on the minus strand). VCF-style: chr13-77177846-A-T. GRCh37 (hg19) VCF-style: chr13-77751981-A-T.
Other names: short protein forms C1748S.
Identifiers: ClinVar variation 5009360 (VCV005009360.1).